The following is an entry in ClinVar:

ClinVar aggregate classification (germline): Uncertain significance. Review status: criteria provided, multiple submitters, no conflicts (2 of 4 stars). 2 submissions from 2 submitters: Uncertain significance (2). Last evaluated 2023-09-20.

Conditions:
Inborn genetic diseases. Identifiers: MedGen C0950123, MeSH D030342.

Allele frequency attached by ClinVar (database versions not stated): gnomAD exomes below 0.00001; gnomAD 0.00001; TOPMed 0.00002.
gnomAD v4.1: 5 of 1,609,800 alleles (0.00031%); highest among the groups gnomAD compares: Middle Eastern, 0.045%; no homozygotes.

Submissions (2):

Ambry Genetics
Classification: Uncertain significance for Inborn genetic diseases. Last evaluated: 2023-09-20. Review status: criteria provided, single submitter. Criteria: Ambry Variant Classification Scheme 2023. Collection method: clinical testing. Allele origin: germline.

Labcorp Genetics (formerly Invitae), Labcorp
Classification: Uncertain significance. Last evaluated: 2022-05-19. Review status: criteria provided, single submitter. Criteria: Invitae Variant Classification Sherloc (09022015). Collection method: clinical testing. Allele origin: germline.
Comment: In summary, the available evidence is currently insufficient to determine the role of this variant in disease. Therefore, it has been classified as a Variant of Uncertain Significance. Advanced modeling of protein sequence and biophysical properties (such as structural, functional, and spatial information, amino acid conservation, physicochemical variation, residue mobility, and thermodynamic stability) performed at Invitae indicates that this missense variant is not expected to disrupt PLG protein function. This variant has not been reported in the literature in individuals affected with PLG-related conditions. This variant is present in population databases (no rsID available, gnomAD 0.01%). This sequence change replaces valine, which is neutral and non-polar, with methionine, which is neutral and non-polar, at codon 6 of the PLG protein (p.Val6Met).

NM_000301.5(PLG):c.16G>A (p.Val6Met)

Gene: PLG (plasminogen; plus strand). Cytogenetic location: 6q26.
Variant type: single nucleotide variant.
Coding change: c.16G>A on transcript NM_000301.5 (MANE Select); coding-DNA position 16, G replaced by A.
Protein change: p.Val6Met; replaces valine 6 with methionine.
Molecular consequence: missense variant.
Genome position (GRCh38, 1-based): chr6:160,702,320, G>A. VCF-style: chr6-160702320-G-A. GRCh37 (hg19) VCF-style: chr6-161123352-G-A.
Other names: c.16G>A, p.Val6Met (NM_001168338.1); short protein forms V6M.
Identifiers: ClinVar variation 1986041 (VCV001986041.5), dbSNP rs1339857891, ClinGen allele CA366355108.